The following is an entry in ClinVar:

ClinVar aggregate classification (germline): Conflicting classifications of pathogenicity. Review status: criteria provided, conflicting classifications (1 of 4 stars). 3 submissions from 3 submitters: Uncertain significance (2); Likely benign (1). Last evaluated 2024-04-15.

Conditions:
Hereditary breast ovarian cancer syndrome. Also called: Hereditary breast and ovarian cancer; Breast and ovarian cancer; Hereditary breast and ovarian cancer syndrome; BRCA1- and BRCA2-Associated Hereditary Breast and Ovarian Cancer; Hereditary breast and/or ovarian cancer syndrome; Hereditary breast and ovarian cancer syndrome (HBOC). Identifiers: Orphanet 145, MedGen C0677776, MeSH D061325, MONDO:0003582. Disease mechanism: loss of function.
Hereditary cancer-predisposing syndrome. Also called: Tumor predisposition; Hereditary neoplastic syndrome; Hereditary Cancer Syndrome; Neoplastic Syndromes, Hereditary. Identifiers: Orphanet 140162, MedGen C0027672, MeSH D009386, MONDO:0015356.

Submissions (3):

Labcorp Genetics (formerly Invitae), Labcorp
Classification: Uncertain significance for Hereditary breast ovarian cancer syndrome. Last evaluated: 2024-04-15. Review status: criteria provided, single submitter. Criteria: Invitae Variant Classification Sherloc (09022015). Collection method: clinical testing. Allele origin: germline.
Comment: This sequence change replaces valine, which is neutral and non-polar, with isoleucine, which is neutral and non-polar, at codon 772 of the BRCA1 protein (p.Val772Ile). This variant is not present in population databases (gnomAD no frequency). This variant has not been reported in the literature in individuals affected with BRCA1-related conditions. ClinVar contains an entry for this variant (Variation ID: 576133). Advanced modeling of protein sequence and biophysical properties (such as structural, functional, and spatial information, amino acid conservation, physicochemical variation, residue mobility, and thermodynamic stability) performed at Invitae indicates that this missense variant is not expected to disrupt BRCA1 protein function with a negative predictive value of 95%. In summary, the available evidence is currently insufficient to determine the role of this variant in disease. Therefore, it has been classified as a Variant of Uncertain Significance.

Color Diagnostics, LLC DBA Color Health
Classification: Uncertain significance for Hereditary cancer-predisposing syndrome. Last evaluated: 2024-01-04. Review status: criteria provided, single submitter. Criteria: ACMG Guidelines, 2015. Collection method: clinical testing. Allele origin: germline.
Comment: This missense variant replaces valine with isoleucine at codon 772 of the BRCA1 protein. Computational prediction suggests that this variant may not impact protein structure and function. To our knowledge, functional studies have not been reported for this variant. This variant has not been reported in individuals affected with BRCA1-related disorders in the literature. This variant has not been identified in the general population by the Genome Aggregation Database (gnomAD). The available evidence is insufficient to determine the role of this variant in disease conclusively. Therefore, this variant is classified as a Variant of Uncertain Significance.

University of Washington Department of Laboratory Medicine, University of Washington
Classification: Likely benign for Hereditary cancer-predisposing syndrome. Last evaluated: 2023-03-23. Review status: criteria provided, single submitter. Criteria: Dines et al. (Genet Med. 2020). Collection method: curation. Allele origin: germline.
Comment: Missense variant in a coldspot region where missense variants are very unlikely to be pathogenic (PMID:31911673).

BRCA1 coldspot (exon 11 using historical exon numbering). Reclassification based on statistical prior probability

NM_007294.4(BRCA1):c.2314G>A (p.Val772Ile)

Gene: BRCA1 (BRCA1 DNA repair associated; minus strand). Cytogenetic location: 17q21.31.
Variant type: single nucleotide variant.
Coding change: c.2314G>A on transcript NM_007294.4 (MANE Select); coding-DNA position 2314, G replaced by A.
Protein change: p.Val772Ile; replaces valine 772 with isoleucine.
Molecular consequence: missense variant. On other transcripts: intron variant (137).
Genome position (GRCh38, 1-based): chr17:43,093,217, C>T on the plus strand (G>A on the coding strand, the complement: BRCA1 is on the minus strand). VCF-style: chr17-43093217-C-T. GRCh37 (hg19) VCF-style: chr17-41245234-C-T.
Other names: c.1933G>A, p.Val645Ile (NM_001407959.1, NM_001407960.1, NM_001407963.1); c.1930G>A, p.Val644Ile (NM_001407962.1); c.2170G>A, p.Val724Ile (NM_001407964.1, NM_001407845.1, NM_001407846.1 and 20 more transcripts); c.1810G>A, p.Val604Ile (NM_001407965.1); c.1426G>A, p.Val476Ile (NM_001407966.1, NM_001407967.1); c.2173G>A, p.Val725Ile (NM_007297.4, NM_001407692.1, NM_001407694.1 and 29 more transcripts); c.2314G>A, p.Val772Ile (NM_007300.4, NM_001407854.1, NM_001407858.1 and 30 more transcripts); c.646+1527G>A (NM_001408458.1, NM_001408469.1, NM_001408453.1 and 11 more transcripts); and 41 more; short protein forms V772I, V725I, V476I, V661I, V701I, V745I, V645I, V702I.
Identifiers: ClinVar variation 576133 (VCV000576133.13), dbSNP rs1567796129, ClinGen allele CA10597375.